The following is an entry in ClinVar:

ClinVar aggregate classification (germline): Uncertain significance (1 of 4 stars; one submission).

Conditions:
Methylmalonic acidemia due to transcobalamin receptor defect (MATR). Also called: METHYLMALONIC ACIDURIA, TRANSIENT, DUE TO TRANSCOBALAMIN RECEPTOR DEFECT; METHYLMALONIC ACIDEMIA, TCblR TYPE. Identifiers: Orphanet 280183, MedGen C4749905, MONDO:0013341, OMIM 613646.

Submission:

Labcorp Genetics (formerly Invitae), Labcorp
Classification: Uncertain significance for Methylmalonic acidemia due to transcobalamin receptor defect. Last evaluated: 2025-03-31. Review status: criteria provided, single submitter. Criteria: Invitae Variant Classification Sherloc (09022015). Collection method: clinical testing. Allele origin: germline.
Comment: This variant, c.571_624dup, results in the insertion of 18 amino acid(s) of the CD320 protein (p.Thr191_Val208dup), but otherwise preserves the integrity of the reading frame. This variant is not present in population databases (gnomAD no frequency). This variant has not been reported in the literature in individuals affected with CD320-related conditions. ClinVar contains an entry for this variant (Variation ID: 2961006). Experimental studies and prediction algorithms are not available or were not evaluated, and the functional significance of this variant is currently unknown. In summary, the available evidence is currently insufficient to determine the role of this variant in disease. Therefore, it has been classified as a Variant of Uncertain Significance.

NM_016579.4(CD320):c.571_624dup (p.Val208_Pro209insThrSerLeuArgAsnAlaThrThrMetGlyProProValThrLeuGluSerVal)

Gene: CD320 (CD320 molecule; minus strand). Cytogenetic location: 19p13.2.
Variant type: Duplication.
Coding change: c.571_624dup on transcript NM_016579.4 (MANE Select); coding-DNA positions 571 to 624, 54 bases duplicated.
Protein change: p.Val208_Pro209insThrSerLeuArgAsnAlaThrThrMetGlyProProValThrLeuGluSerVal.
Molecular consequence: inframe insertion.
Genome position (GRCh38, 1-based): chr19:8,302,859-8,302,912, 54 bases duplicated. GRCh37 (hg19): chr19:8,367,784-8,367,837.
Other names: c.445_498dup, p.Val166_Pro167insThrSerLeuArgAsnAlaThrThrMetGlyProProValThrLeuGluSerVal (NM_001165895.2).
Identifiers: ClinVar variation 2961006 (VCV002961006.3), dbSNP rs1568556291, ClinGen allele CA631704004.